The following is an entry in ClinVar:

ClinVar aggregate classification (germline): Conflicting classifications of pathogenicity. Review status: criteria provided, conflicting classifications (1 of 4 stars). 3 submissions from 3 submitters: Likely pathogenic (2); Uncertain significance (1). Last evaluated 2025-02-16.

Conditions:
3M syndrome 2. Also called: THREE M SYNDROME 2; 3-M Syndrome, OBSL1-Related. Identifiers: Orphanet 2616, MedGen C2752041, MONDO:0013039, OMIM 612921.

Submissions (3):

Laboratory of Genetics, Children's Clinical University Hospital Latvia
Classification: Likely pathogenic. Last evaluated: 2025-02-16. Review status: criteria provided, single submitter. Criteria: ACMG Guidelines, 2015. Collection method: clinical testing. Allele origin: germline. Affected: yes.

Labcorp Genetics (formerly Invitae), Labcorp
Classification: Uncertain significance. Last evaluated: 2024-10-24. Review status: criteria provided, single submitter. Criteria: Invitae Variant Classification Sherloc (09022015). Collection method: clinical testing. Allele origin: germline.
Comment: This sequence change creates a premature translational stop signal (p.Pro1203Thrfs*12) in the OBSL1 gene. However, it is currently unclear if variants that occur in this region of the gene cause disease. This variant is not present in population databases (gnomAD no frequency). This variant has not been reported in the literature in individuals affected with OBSL1-related conditions. ClinVar contains an entry for this variant (Variation ID: 1878358). In summary, the available evidence is currently insufficient to determine the role of this variant in disease. Therefore, it has been classified as a Variant of Uncertain Significance.

Women's Health and Genetics/Laboratory Corporation of America, LabCorp
Classification: Likely pathogenic for 3M syndrome 2. Last evaluated: 2022-12-21. Review status: criteria provided, single submitter. Criteria: LabCorp Variant Classification Summary - May 2015. Collection method: clinical testing. Allele origin: germline.
Comment: Variant summary: OBSL1 c.3603_3618del16 (p.Pro1203ThrfsX12) results in a premature termination codon, predicted to cause a truncation of the encoded protein or absence of the protein due to nonsense mediated decay, which are commonly known mechanisms for disease. Truncations downstream of this position have been associated with 3-M syndrome and Myopathy in HGMD. The variant was absent in 240458 control chromosomes. To our knowledge, no occurrence of c.3603_3618del16 in individuals affected with Three M Syndrome 2 and no experimental evidence demonstrating its impact on protein function have been reported. No clinical diagnostic laboratories have submitted clinical-significance assessments for this variant to ClinVar after 2014. Based on the evidence outlined above, the variant was classified as likely pathogenic.

NM_015311.3(OBSL1):c.3603_3618del (p.Pro1203fs)

Gene: OBSL1 (obscurin like cytoskeletal adaptor 1; minus strand). Cytogenetic location: 2q35.
Variant type: Deletion.
Coding change: c.3603_3618del on transcript NM_015311.3 (MANE Select); coding-DNA positions 3603 to 3618, 16 bases deleted (CGCCCCCGTGGTCTGG).
Protein change: p.Pro1203fs; shifts the reading frame from proline 1203.
Molecular consequence: frameshift variant.
Genome position (GRCh38, 1-based): chr2:219,557,995-219,558,010, CCAGACCACGGGGGCG deleted on the plus strand (CGCCCCCGTGGTCTGG on the coding strand, the reverse complement: OBSL1 is on the minus strand); deleting any 16 consecutive bases within chr2:219,557,995-219,558,014 gives the same sequence; the c. name uses the placement nearest the transcript's 3' end. VCF-style (leftmost placement, unchanged base first): chr2-219557994-TCCAGACCACGGGGGCG-T. GRCh37 (hg19) VCF-style: chr2-220422716-TCCAGACCACGGGGGCG-T.
Other names: c.3603_3618del, p.Pro1203fs (NM_001173431.2); short protein forms P1203fs.
Identifiers: ClinVar variation 1878358 (VCV001878358.5), dbSNP rs2546233249, ClinGen allele CA2580065813.